The following is an entry in ClinVar:

NM_020812.4(DOCK6):c.2010C>T (p.Gly670=)

Gene: DOCK6 (dedicator of cytokinesis 6; minus strand). Cytogenetic location: 19p13.2.
Variant type: single nucleotide variant.
Coding change: c.2010C>T on transcript NM_020812.4 (MANE Select); coding-DNA position 2010, C replaced by T.
Protein change: p.Gly670=; no amino-acid change (glycine 670 retained).
Molecular consequence: synonymous variant.
Genome position (GRCh38, 1-based): chr19:11,237,519, G>A on the plus strand (C>T on the coding strand, the complement: DOCK6 is on the minus strand). VCF-style: chr19-11237519-G-A. GRCh37 (hg19) VCF-style: chr19-11348195-G-A.
Other names: c.2010C>T, p.Gly670= (NM_001367830.1).
Identifiers: ClinVar variation 3029472 (VCV003029472.2), dbSNP rs1393319825, ClinGen allele CA505498492.
Genomic context (GRCh38, chr19:11,237,519, plus strand): 5'-GGGTGTGAGCACGGAATAGCTGGGCGGCGGCTGGTCCACAGACACTGGGAGACAGAAGGG[G>A]CCGGTCCTCAGGCGCCCGTGCTGCAGCAGTGGGATCCACTGGGGAGAGGCTGGAGGTCAG-3'
Protein context (NP_065863.2, residues 660-680): PLLQHGRLRT[Gly670=]PFCLPVSVDQ

ClinVar aggregate classification (germline): Likely benign (0 of 4 stars; one submission).

Conditions:
DOCK6-related disorder. Also called: DOCK6-related condition.

Allele frequency attached by ClinVar (database versions not stated): gnomAD exomes below 0.00001; TOPMed below 0.00001; gnomAD 0.00001.
gnomAD v4.1: 3 of 1,613,116 alleles (0.00019%); highest among the groups gnomAD compares: African/African-American, 0.004%; no homozygotes.

Submission:

PreventionGenetics, part of Exact Sciences
Classification: Likely benign for DOCK6-related condition. Last evaluated: 2021-12-20. Review status: no assertion criteria provided. Collection method: clinical testing. Allele origin: germline.
Comment: This variant is classified as likely benign based on ACMG/AMP sequence variant interpretation guidelines (Richards et al. 2015 PMID: 25741868, with internal and published modifications).